The following is an entry in ClinVar:

NM_005751.5(AKAP9):c.9857C>A (p.Ala3286Asp)

Gene: AKAP9 (A-kinase anchoring protein 9; plus strand). Cytogenetic location: 7q21.2.
Variant type: single nucleotide variant.
Coding change: c.9857C>A on transcript NM_005751.5 (MANE Select); coding-DNA position 9857, C replaced by A.
Protein change: p.Ala3286Asp; replaces alanine 3286 with aspartic acid.
Molecular consequence: missense variant.
Genome position (GRCh38, 1-based): chr7:92,096,816, C>A. VCF-style: chr7-92096816-C-A. GRCh37 (hg19) VCF-style: chr7-91726130-C-A.
Other names: c.4502C>A, p.Ala1501Asp (NM_001379277.1); c.9833C>A, p.Ala3278Asp (NM_147185.3); short protein forms A3278D, A3286D, A1501D.
Identifiers: ClinVar variation 5033864 (VCV005033864.1).

ClinVar aggregate classification (germline): Uncertain significance (1 of 4 stars; one submission).

Conditions:
Cardiovascular phenotype. Identifiers: MedGen CN230736.

Submission:

Ambry Genetics
Classification: Uncertain significance for Cardiovascular phenotype. Last evaluated: 2026-06-20. Review status: criteria provided, single submitter. Criteria: Ambry Variant Classification Scheme 2023. Collection method: clinical testing. Allele origin: germline.
Comment: The p.A3286D variant (also known as c.9857C>A), located in coding exon 41 of the AKAP9 gene, results from a C to A substitution at nucleotide position 9857. The alanine at codon 3286 is replaced by aspartic acid, an amino acid with dissimilar properties. This amino acid position is conserved. In addition, this alteration is predicted to be tolerated by in silico analysis. Based on the available evidence, the clinical significance of this variant remains unclear.